The following is an entry in ClinVar:

NM_005883.3(APC2):c.5692G>A (p.Gly1898Arg)

Gene: APC2 (APC regulator of Wnt signaling pathway 2; plus strand). Cytogenetic location: 19p13.3.
Variant type: single nucleotide variant.
Coding change: c.5692G>A on transcript NM_005883.3 (MANE Select); coding-DNA position 5692, G replaced by A.
Protein change: p.Gly1898Arg; replaces glycine 1898 with arginine.
Molecular consequence: missense variant.
Genome position (GRCh38, 1-based): chr19:1,468,993, G>A. VCF-style: chr19-1468993-G-A. GRCh37 (hg19) VCF-style: chr19-1468992-G-A.
Other names: c.5689G>A, p.Gly1897Arg (NM_001351273.1); short protein forms G1898R, G1897R.
Identifiers: ClinVar variation 2176804 (VCV002176804.4), dbSNP rs1399944549, ClinGen allele CA403041726.
Genomic context (GRCh38, chr19:1,468,993, plus strand): 5'-CAGACCTCGCCCGCCTCCCAGCCCCTGCCCAGAAAGCGCCCCCCGGTCACCCAGGCTGCT[G>A]GGGCCCTGCCCGGCCCCGGAGCCTCCCCGGTGCCCAAAACGCCGGCGCGCACCCTTCTGG-3'
Protein context (NP_005874.1, residues 1888-1908): RKRPPVTQAA[Gly1898Arg]ALPGPGASPV

ClinVar aggregate classification (germline): Uncertain significance (1 of 4 stars; one submission).

Allele frequency attached by ClinVar (database versions not stated): gnomAD 0.00001; TOPMed 0.00001.
gnomAD v4.1: 4 of 1,559,592 alleles (0.00026%); highest among the groups gnomAD compares: Non-Finnish European, 0.00035%; no homozygotes.

Submission:

Labcorp Genetics (formerly Invitae), Labcorp
Classification: Uncertain significance. Last evaluated: 2024-05-29. Review status: criteria provided, single submitter. Criteria: Invitae Variant Classification Sherloc (09022015). Collection method: clinical testing. Allele origin: germline.
Comment: This sequence change replaces glycine, which is neutral and non-polar, with arginine, which is basic and polar, at codon 1898 of the APC2 protein (p.Gly1898Arg). The frequency data for this variant in the population databases is considered unreliable, as metrics indicate poor data quality at this position in the gnomAD database. This variant has not been reported in the literature in individuals affected with APC2-related conditions. ClinVar contains an entry for this variant (Variation ID: 2176804). Advanced modeling of protein sequence and biophysical properties (such as structural, functional, and spatial information, amino acid conservation, physicochemical variation, residue mobility, and thermodynamic stability) performed at Invitae indicates that this missense variant is not expected to disrupt APC2 protein function with a negative predictive value of 80%. In summary, the available evidence is currently insufficient to determine the role of this variant in disease. Therefore, it has been classified as a Variant of Uncertain Significance.